The following is an entry in ClinVar:

NM_001621.5(AHR):c.304A>G (p.Arg102Gly)

Gene: AHR (aryl hydrocarbon receptor; plus strand). Cytogenetic location: 7p21.1.
Variant type: single nucleotide variant.
Coding change: c.304A>G on transcript NM_001621.5 (MANE Select); coding-DNA position 304, A replaced by G.
Protein change: p.Arg102Gly; replaces arginine 102 with glycine.
Molecular consequence: missense variant.
Genome position (GRCh38, 1-based): chr7:17,322,551, A>G. VCF-style: chr7-17322551-A-G. GRCh37 (hg19) VCF-style: chr7-17362175-A-G.
Other names: short protein forms R102G.
Identifiers: ClinVar variation 955009 (VCV000955009.7), dbSNP rs200324493, ClinGen allele CA4171784.

ClinVar aggregate classification (germline): Uncertain significance (1 of 4 stars; one submission).

Allele frequency attached by ClinVar (database versions not stated): gnomAD exomes 0.00002 and 0.00005; TOPMed 0.00004; ExAC 0.00005; gnomAD 0.00006.
gnomAD v4.1: 24 of 1,613,040 alleles (0.0015%); highest among the groups gnomAD compares: Admixed American, 0.033%; no homozygotes.

Submission:

Labcorp Genetics (formerly Invitae), Labcorp
Classification: Uncertain significance. Last evaluated: 2022-07-25. Review status: criteria provided, single submitter. Criteria: Invitae Variant Classification Sherloc (09022015). Collection method: clinical testing. Allele origin: germline.
Comment: This sequence change replaces arginine, which is basic and polar, with glycine, which is neutral and non-polar, at codon 102 of the AHR protein (p.Arg102Gly). This variant is present in population databases (rs200324493, gnomAD 0.03%). This variant has not been reported in the literature in individuals affected with AHR-related conditions. ClinVar contains an entry for this variant (Variation ID: 955009). Algorithms developed to predict the effect of missense changes on protein structure and function (SIFT, PolyPhen-2, Align-GVGD) all suggest that this variant is likely to be tolerated. In summary, the available evidence is currently insufficient to determine the role of this variant in disease. Therefore, it has been classified as a Variant of Uncertain Significance.